The following is an entry in ClinVar:

NM_004187.5(KDM5C):c.1520T>A (p.Val507Asp)

Gene: KDM5C (lysine demethylase 5C; minus strand). Cytogenetic location: Xp11.22.
Variant type: single nucleotide variant.
Coding change: c.1520T>A on transcript NM_004187.5 (MANE Select); coding-DNA position 1520, T replaced by A.
Protein change: p.Val507Asp; replaces valine 507 with aspartic acid.
Molecular consequence: missense variant. On other transcripts: non-coding transcript variant (3).
Genome position (GRCh38, 1-based): chrX:53,210,739, A>T on the plus strand (T>A on the coding strand, the complement: KDM5C is on the minus strand). VCF-style: chrX-53210739-A-T. GRCh37 (hg19) VCF-style: chrX-53239921-A-T.
Other names: c.1517T>A, p.Val506Asp (NM_001353982.2, NM_001282622.3, NM_001353979.2); c.1520T>A, p.Val507Asp (NM_001353984.2, NM_001353978.3, NM_001353981.2); c.1319T>A, p.Val440Asp (NM_001146702.2); short protein forms V440D, V506D, V507D.
Identifiers: ClinVar variation 4292911 (VCV004292911.1).
Genomic context (GRCh38, chrX:53,210,739, plus strand): 5'-TGGAGGTAGTTAATGGAGTAACTCCAGTGATCCTCAATATGCCAGCAAAAGGCTGAGAAG[A>T]CCATGCCCACGTAGAGCCAGGGCACCTTCATGCCAGAGATATCTGCATTGATGTGGCACA-3'
Protein context (NP_004178.2, residues 497-517): MKVPWLYVGM[Val507Asp]FSAFCWHIED

ClinVar aggregate classification (germline): Uncertain significance (1 of 4 stars; one submission).

Conditions:
Intellectual developmental disorder, X-linked, syndromic, Claes-Jensen type. Also called: Syndromic X-linked intellectual disability Claes-Jensen type; INTELLECTUAL DEVELOPMENTAL DISORDER, X-LINKED, SYNDROMIC 16; MENTAL RETARDATION, X-LINKED, SYNDROMIC 16. Identifiers: Orphanet 85279, MedGen C1845243, MONDO:0010355, OMIM 300534.

Submission:

3billion
Classification: Uncertain significance for Intellectual developmental disorder, X-linked, syndromic, Claes-Jensen type. Last evaluated: 2024-06-10. Review status: criteria provided, single submitter. Criteria: ACMG Guidelines, 2015. Collection method: clinical testing. Allele origin: germline. Affected: yes.
Comment: The variant is not observed in the gnomAD v4.0.0 dataset. Predicted Consequence/Location: Missense changes are a common disease-causing mechanism. In silico tool predictions suggest damaging effect of the variant on gene or gene product [REVEL: 0.73 (>=0.6, sensitivity 0.68 and specificity 0.92); 3Cnet: 0.97 (>=0.6, sensitivity 0.72 and precision 0.9)]. Therefore, this variant is classified as VUS according to the recommendation of ACMG/AMP guideline.